The following is an entry in ClinVar:

ClinVar aggregate classification (germline): Likely benign. Review status: criteria provided, multiple submitters, no conflicts (2 of 4 stars). 2 submissions from 2 submitters: Likely benign (2). Last evaluated 2025-07-14.

Conditions:
ASPM-related disorder. Also called: ASPM-related condition.

Allele frequency attached by ClinVar (database versions not stated): gnomAD exomes 0.00001; ExAC 0.00003; gnomAD 0.00004; TOPMed 0.00008.
gnomAD v4.1: 22 of 1,611,072 alleles (0.0014%); highest among the groups gnomAD compares: African/African-American, 0.021%; no homozygotes.

Submissions (2):

Labcorp Genetics (formerly Invitae), Labcorp
Classification: Likely benign. Last evaluated: 2025-07-14. Review status: criteria provided, single submitter. Criteria: Invitae Variant Classification Sherloc (09022015). Collection method: clinical testing. Allele origin: germline.

PreventionGenetics, part of Exact Sciences
Classification: Likely benign for ASPM-related condition. Last evaluated: 2024-12-04. Review status: criteria provided, single submitter. Criteria: ACMG Guidelines, 2015. Collection method: clinical testing. Allele origin: germline.
Comment: This variant is classified as likely benign based on ACMG/AMP sequence variant interpretation guidelines (Richards et al. 2015 PMID: 25741868, with internal and published modifications).

NM_018136.5(ASPM):c.9295-5T>A

Gene: ASPM (assembly factor for spindle microtubules; minus strand). Cytogenetic location: 1q31.3.
Variant type: single nucleotide variant.
Coding change: c.9295-5T>A on transcript NM_018136.5 (MANE Select); 5 bases into the intron before coding-DNA position 9295, T replaced by A.
Molecular consequence: intron variant.
Genome position (GRCh38, 1-based): chr1:197,092,061, A>T on the plus strand (T>A on the coding strand, the complement: ASPM is on the minus strand). VCF-style: chr1-197092061-A-T. GRCh37 (hg19) VCF-style: chr1-197061191-A-T.
Other names: c.4540-5T>A (NM_001206846.2); c.9295-5T>A (NM_018136.4).
Identifiers: ClinVar variation 2180476 (VCV002180476.5), dbSNP rs368034519, ClinGen allele CA1308976.